The following is an entry in ClinVar:

NM_022124.6(CDH23):c.913del (p.Leu305fs)

Gene: CDH23 (cadherin related 23; plus strand). Cytogenetic location: 10q22.1.
Variant type: Deletion.
Coding change: c.913del on transcript NM_022124.6 (MANE Select); coding-DNA position 913, one base deleted (C; older notation c.913delC).
Protein change: p.Leu305fs; shifts the reading frame from leucine 305.
Molecular consequence: frameshift variant.
Genome position (GRCh38, 1-based): chr10:71,615,584, C deleted; the last of 5 consecutive C bases (chr10:71,615,580-71,615,584); deleting any one gives the same sequence. VCF-style (leftmost placement, unchanged base first): chr10-71615579-AC-A. GRCh37 (hg19) VCF-style: chr10-73375336-AC-A.
Other names: c.913del, p.Leu305fs (NM_001171930.2, NM_001171931.2, NM_001171932.2 and 1 more transcripts); c.913delC (NM_022124.5); short protein forms L305fs.
Identifiers: ClinVar variation 955581 (VCV000955581.12), dbSNP rs1393567447, ClinGen allele CA594318778.
Genomic context (GRCh38, chr10:71,615,579, plus strand): 5'-TCTTTGCCCTGGACTACATCAGCGGAGTGCTGACCTTGAATGGCCTGCTGGACCGGGAGA[AC>A]CCCCTGTACAGCCATGGCTTCATCCTGACTGTGAAGGTGAGACCTGGGTGGGCACCTTCA-3'

ClinVar aggregate classification (germline): Pathogenic/Likely pathogenic. Review status: criteria provided, multiple submitters, no conflicts (2 of 4 stars). 4 submissions from 4 submitters: Pathogenic (2); Likely pathogenic (2). Last evaluated 2025-03-17.

Conditions:
Pituitary adenoma 5, multiple types. Identifiers: MedGen C4539685, MONDO:0054601, OMIM 617540.
Usher syndrome. Also called: Usher Syndromes; Usher's syndrome. Identifiers: Orphanet 886, MedGen CN469326, MeSH D052245, MONDO:0019501. Disease mechanism: loss of function.
Retinal dystrophy. Also called: Inherited retinal dystrophy. Identifiers: Orphanet 71862, MedGen C0854723, MeSH D058499, MONDO:0019118, HP:0000556.

Submissions (4):

Labcorp Genetics (formerly Invitae), Labcorp
Classification: Pathogenic. Last evaluated: 2025-03-17. Review status: criteria provided, single submitter. Criteria: Invitae Variant Classification Sherloc (09022015). Collection method: clinical testing. Allele origin: germline.
Comment: This sequence change creates a premature translational stop signal (p.Leu305Cysfs*8) in the CDH23 gene. It is expected to result in an absent or disrupted protein product. Loss-of-function variants in CDH23 are known to be pathogenic (PMID: 11138009, 21940737). This variant is present in population databases (no rsID available, gnomAD 0.0009%). This premature translational stop signal has been observed in individual(s) with Usher syndrome (PMID: 25468891). ClinVar contains an entry for this variant (Variation ID: 955581). For these reasons, this variant has been classified as Pathogenic.

Baylor Genetics
Classification: Likely pathogenic for Pituitary adenoma 5, multiple types. Last evaluated: 2022-12-08. Review status: criteria provided, single submitter. Criteria: ACMG Guidelines, 2015. Collection method: clinical testing. Allele origin: unknown.

Women's Health and Genetics/Laboratory Corporation of America, LabCorp
Classification: Likely pathogenic for Usher syndrome. Last evaluated: 2022-09-12. Review status: criteria provided, single submitter. Criteria: LabCorp Variant Classification Summary - May 2015. Collection method: clinical testing. Allele origin: germline.
Comment: Variant summary: CDH23 c.913delC (p.Leu305CysfsX8) results in a premature termination codon, predicted to cause a truncation of the encoded protein or absence of the protein due to nonsense mediated decay, which are commonly known mechanisms for disease. Truncating variants downstream of this variant have been associated with Usher syndrome in HGMD. The variant allele was found at a frequency of 4e-06 in 249214 control chromosomes. c.913delC has been reported in the literature as a complex heterozygote in at least one individual with clinically diagnosed Usher Syndrome (Bujakowska_2014). To our knowledge, no experimental evidence demonstrating an impact on protein function has been reported. One clinical diagnostic laboratory has submitted clinical-significance assessments for this variant to ClinVar after 2014 and classified the variant as pathogenic. Based on the evidence outlined above, the variant was classified as likely pathogenic.

Institute of Human Genetics, Univ. Regensburg, Univ. Regensburg
Classification: Pathogenic for Retinal dystrophy. Last evaluated: 2020-01-01. Review status: criteria provided, single submitter. Criteria: ACMG Guidelines, 2015. Collection method: clinical testing. Allele origin: germline. Affected: yes.

Literature cited by the submitters: PubMed 11138009 (cited by Labcorp Genetics (formerly Invitae), Labcorp); PubMed 21940737 (cited by Labcorp Genetics (formerly Invitae), Labcorp); PubMed 25468891 (cited by 3 submitters).